The following is an entry in ClinVar:

NM_001122630.2(CDKN1C):c.443C>T (p.Ala148Val)

Gene: CDKN1C (cyclin dependent kinase inhibitor 1C; minus strand). Cytogenetic location: 11p15.4.
Variant type: single nucleotide variant.
Coding change: c.443C>T on transcript NM_001122630.2 (MANE Select); coding-DNA position 443, C replaced by T.
Protein change: p.Ala148Val; replaces alanine 148 with valine.
Molecular consequence: missense variant. On other transcripts: intron variant (1).
Genome position (GRCh38, 1-based): chr11:2,885,014, G>A on the plus strand (C>T on the coding strand, the complement: CDKN1C is on the minus strand). VCF-style: chr11-2885014-G-A. GRCh37 (hg19) VCF-style: chr11-2906244-G-A.
Other names: c.476C>T, p.Ala159Val (NM_000076.2, NM_001362474.2); c.443C>T, p.Ala148Val (NM_001122631.2); c.255+188C>T (NM_001362475.2); short protein forms A148V, A159V.
Identifiers: ClinVar variation 947592 (VCV000947592.9), dbSNP rs372633, ClinGen allele CA216367325.

ClinVar aggregate classification (germline): Uncertain significance (1 of 4 stars; one submission).

Conditions:
Beckwith-Wiedemann syndrome (BWS). Also called: Exomphalos macroglossia gigantism syndrome; EMG SYNDROME. Identifiers: Orphanet 116, MedGen C0004903, MONDO:0007534, OMIM 130650.

Allele frequency attached by ClinVar (database versions not stated): gnomAD exomes below 0.00001; gnomAD 0.00001.
gnomAD v4.1: 2 of 1,199,868 alleles (0.00017%); highest among the groups gnomAD compares: Non-Finnish European, 0.00021%; no homozygotes.

Submission:

Labcorp Genetics (formerly Invitae), Labcorp
Classification: Uncertain significance for Beckwith-Wiedemann syndrome. Last evaluated: 2024-04-22. Review status: criteria provided, single submitter. Criteria: Invitae Variant Classification Sherloc (09022015). Collection method: clinical testing. Allele origin: germline.
Comment: This sequence change replaces alanine, which is neutral and non-polar, with valine, which is neutral and non-polar, at codon 159 of the CDKN1C protein (p.Ala159Val). This variant is present in population databases (rs372633, gnomAD 0.007%). This variant has not been reported in the literature in individuals affected with CDKN1C-related conditions. ClinVar contains an entry for this variant (Variation ID: 947592). Advanced modeling of protein sequence and biophysical properties (such as structural, functional, and spatial information, amino acid conservation, physicochemical variation, residue mobility, and thermodynamic stability) performed at Invitae indicates that this missense variant is not expected to disrupt CDKN1C protein function with a negative predictive value of 80%. In summary, the available evidence is currently insufficient to determine the role of this variant in disease. Therefore, it has been classified as a Variant of Uncertain Significance.